The following is an entry in ClinVar:

NM_000540.3(RYR1):c.1739A>G (p.Asn580Ser)

Gene: RYR1 (ryanodine receptor 1; plus strand). Cytogenetic location: 19q13.2.
Variant type: single nucleotide variant.
Coding change: c.1739A>G on transcript NM_000540.3 (MANE Select); coding-DNA position 1739, A replaced by G.
Protein change: p.Asn580Ser; replaces asparagine 580 with serine.
Molecular consequence: missense variant.
Genome position (GRCh38, 1-based): chr19:38,455,699, A>G. VCF-style: chr19-38455699-A-G. GRCh37 (hg19) VCF-style: chr19-38946339-A-G.
Other names: c.1739A>G, p.Asn580Ser (NM_001042723.2); short protein forms N580S.
Identifiers: ClinVar variation 842750 (VCV000842750.11), dbSNP rs373301841, ClinGen allele CA062375.

ClinVar aggregate classification (germline): Uncertain significance. Review status: criteria provided, multiple submitters, no conflicts (2 of 4 stars). 6 submissions from 5 submitters: Uncertain significance (6). Last evaluated 2025-12-10.

Conditions:
RYR1-related disorder. Also called: RYR1-related disorders; RYR1-related condition. Identifiers: MedGen CN239331.
Malignant hyperthermia, susceptibility to, 1 (MHS1). Also called: Anesthesia related hyperthermia; Malignant hyperpyrexia; Fulminating hyperpyrexia; Pharmacogenic myopathy; Malignant hyperthermia suceptibility 1; RYR1-Related Malignant Hyperthermia Susceptibility. Identifiers: Orphanet 423, MedGen C2930980, MONDO:0007783, OMIM 145600.
Congenital multicore myopathy with external ophthalmoplegia (CMYO1B). Also called: MULTICORE MYOPATHY; MULTIMINICORE DISEASE WITH EXTERNAL OPHTHALMOPLEGIA; Congenital myopathy 1B, autosomal recessive; Minicore myopathy; Minicore myopathy with external ophthalmoplegia. Identifiers: Orphanet 598, Orphanet 98905, MedGen C1850674, MONDO:0009712, OMIM 255320, HP:0003789.

Allele frequency attached by ClinVar (database versions not stated): gnomAD 0.00001; gnomAD exomes 0.00001 and 0.00002; ExAC 0.00002; TOPMed 0.00003; ESP Exome Variant Server 0.00008.
gnomAD v4.1: 22 of 1,613,834 alleles (0.0014%); highest among the groups gnomAD compares: Middle Eastern, 0.016%; no homozygotes.

Submissions (6):

Labcorp Genetics (formerly Invitae), Labcorp
Classification: Uncertain significance for RYR1-related disorder. Last evaluated: 2025-12-10. Review status: criteria provided, single submitter. Criteria: Invitae Variant Classification Sherloc (09022015). Collection method: clinical testing. Allele origin: germline.
Comment: This sequence change replaces asparagine, which is neutral and polar, with serine, which is neutral and polar, at codon 580 of the RYR1 protein (p.Asn580Ser). This variant is present in population databases (rs373301841, gnomAD 0.01%). This missense change has been observed in individual(s) with RYR1-related conditions (PMID: 36964972). ClinVar contains an entry for this variant (Variation ID: 842750). Invitae Evidence Modeling of protein sequence and biophysical properties (such as structural, functional, and spatial information, amino acid conservation, physicochemical variation, residue mobility, and thermodynamic stability) indicates that this missense variant is not expected to disrupt RYR1 protein function with a negative predictive value of 80%. In summary, the available evidence is currently insufficient to determine the role of this variant in disease. Therefore, it has been classified as a Variant of Uncertain Significance.

All of Us Research Program, National Institutes of Health
Classification: Uncertain significance for Malignant hyperthermia, susceptibility to, 1. Last evaluated: 2024-02-05. Review status: criteria provided, single submitter. Criteria: ACMG Guidelines, 2015. Collection method: clinical testing. Allele origin: germline. Inheritance: Autosomal dominant inheritance. Observed: 6 variant alleles, 6 heterozygotes.
Comment: This missense variant replaces asparagine with serine at codon 580 of the RYR1 protein. Computational prediction suggests that this variant may not impact protein structure and function (internally defined REVEL score threshold <= 0.5, PMID: 27666373). To our knowledge, functional studies have not been reported for this variant. This variant has not been reported in individuals affected with RYR1-related disorders in the literature. This variant has been identified in 5/251462 chromosomes in the general population by the Genome Aggregation Database (gnomAD). The available evidence is insufficient to determine the role of this variant in disease conclusively. Therefore, this variant is classified as a Variant of Uncertain Significance.

This study involves interpretation of variants in research participants for the purpose of population health screening. Participant phenotype was not available at the time of variant classification. Additional details can be found in publication PMID: 35346344, PMCID: PMC8962531

Color Diagnostics, LLC DBA Color Health
Classification: Uncertain significance for Malignant hyperthermia, susceptibility to, 1. Last evaluated: 2024-01-29. Review status: criteria provided, single submitter. Criteria: ACMG Guidelines, 2015. Collection method: clinical testing. Allele origin: germline.
Comment: This missense variant replaces asparagine with serine at codon 580 of the RYR1 protein. Computational prediction suggests that this variant may not impact protein structure and function. To our knowledge, functional studies have not been reported for this variant. This variant has not been reported in individuals affected with RYR1-related disorders in the literature. This variant has been identified in 5/251462 chromosomes in the general population by the Genome Aggregation Database (gnomAD). The available evidence is insufficient to determine the role of this variant in disease conclusively. Therefore, this variant is classified as a Variant of Uncertain Significance.

Women's Health and Genetics/Laboratory Corporation of America, LabCorp
Classification: Uncertain significance. Last evaluated: 2023-08-02. Review status: criteria provided, single submitter. Criteria: LabCorp Variant Classification Summary - May 2015. Collection method: clinical testing. Allele origin: germline.
Comment: Variant summary: RYR1 c.1739A>G (p.Asn580Ser) results in a conservative amino acid change located in the RIH domain (IPR000699) of the encoded protein sequence. Three of five in-silico tools predict a benign effect of the variant on protein function. The variant allele was found at a frequency of 2e-05 in 251462 control chromosomes (gnomAD). The available data on variant occurrences in the general population are insufficient to allow any conclusion about variant significance. To our knowledge, no occurrence of c.1739A>G in individuals affected with Malignant Hyperthermia Susceptibility or other RYR1-related disorders and no experimental evidence demonstrating its impact on protein function have been reported. Two submitters have cited clinical-significance assessments for this variant to ClinVar after 2014 and both classified the variant as uncertain significance. Based on the evidence outlined above, the variant was classified as uncertain significance.

Illumina Laboratory Services, Illumina
Classification: Uncertain significance for Malignant hyperthermia, susceptibility to, 1. Last evaluated: 2018-01-13. Review status: criteria provided, single submitter. Criteria: ICSL Variant Classification Criteria 13 December 2019. Collection method: clinical testing. Allele origin: germline.

Illumina Laboratory Services, Illumina
Classification: Uncertain significance for Congenital multicore myopathy with external ophthalmoplegia. Last evaluated: 2018-01-13. Review status: criteria provided, single submitter. Criteria: ICSL Variant Classification Criteria 13 December 2019. Collection method: clinical testing. Allele origin: germline.

Literature cited by the submitters: PubMed 36964972 (cited by Labcorp Genetics (formerly Invitae), Labcorp).